The following is an entry in ClinVar:

NM_005379.4(MYO1A):c.659G>A (p.Arg220Gln)

Gene: MYO1A (myosin IA; minus strand). Cytogenetic location: 12q13.3.
Variant type: single nucleotide variant.
Coding change: c.659G>A on transcript NM_005379.4 (MANE Select); coding-DNA position 659, G replaced by A.
Protein change: p.Arg220Gln; replaces arginine 220 with glutamine.
Molecular consequence: missense variant.
Genome position (GRCh38, 1-based): chr12:57,044,191, C>T on the plus strand (G>A on the coding strand, the complement: MYO1A is on the minus strand). VCF-style: chr12-57044191-C-T. GRCh37 (hg19) VCF-style: chr12-57437975-C-T.
Other names: c.659G>A, p.Arg220Gln (NM_001256041.2); short protein forms R220Q.
Identifiers: ClinVar variation 164597 (VCV000164597.6), dbSNP rs114674819, ClinGen allele CA177318.

ClinVar aggregate classification (germline): Likely benign. Review status: criteria provided, single submitter (1 of 4 stars). 2 submissions from 2 submitters: Likely benign (1). 1 of the submissions does not count toward it. Last evaluated 2013-05-13.

Conditions:
MYO1A-related disorder. Also called: MYO1A-related condition.

Allele frequency attached by ClinVar (database versions not stated): gnomAD exomes 0.00008 and 0.00020; ExAC 0.00021; gnomAD 0.00066 and 0.00068; TOPMed 0.00073; ESP Exome Variant Server 0.00077; 1000 Genomes Project 0.00140; 1000 Genomes Project 30x 0.00141.
gnomAD v4.1: 223 of 1,614,050 alleles (0.014%); highest among the groups gnomAD compares: African/African-American, 0.21%; 2 homozygotes.

Submissions (2):

Laboratory for Molecular Medicine, Mass General Brigham Personalized Medicine
Classification: Likely benign. Last evaluated: 2013-05-13. Review status: criteria provided, single submitter. Criteria: LMM Criteria. Collection method: clinical testing. Allele origin: germline. Observed: 1 variant allele.
Comment: The Arg220Gln variant in MYO1A: This variant is not expected to have clinical si gnificance due to a lack of conservation across species, including mammals. Of note, mouse lemur, kangaroo rat, hedgehog, shrew, elephant, and sloth have a glu tamine (Gln) at this position. In addition, this variant has been identified in 0.2% (9/4406) of African American chromosomes by the NHLBI Exome Sequencing Proj ect (dbSNP rs114674819).

PreventionGenetics, part of Exact Sciences
Classification: Likely benign for MYO1A-related condition. Last evaluated: 2019-02-18. Review status: no assertion criteria provided. Collection method: clinical testing. Allele origin: germline. Not counted in ClinVar's aggregate classification.
Comment: This variant is classified as likely benign based on ACMG/AMP sequence variant interpretation guidelines (Richards et al. 2015 PMID: 25741868, with internal and published modifications).